The following is an entry in ClinVar:

ClinVar aggregate classification (germline): Uncertain significance (1 of 4 stars; one submission).

Submission:

GeneDx
Classification: Uncertain significance. Last evaluated: 2024-05-29. Review status: criteria provided, single submitter. Criteria: GeneDx Variant Classification Process June 2021. Collection method: clinical testing. Allele origin: germline. Affected: yes.
Comment: Not observed at significant frequency in large population cohorts (gnomAD); In silico analysis indicates that this missense variant does not alter protein structure/function; Has not been previously published as pathogenic or benign to our knowledge

NM_181303.2(NLGN3):c.139C>T (p.His47Tyr)

Gene: NLGN3 (neuroligin 3; plus strand). Cytogenetic location: Xq13.1.
Variant type: single nucleotide variant.
Coding change: c.139C>T on transcript NM_181303.2 (MANE Select); coding-DNA position 139, C replaced by T.
Protein change: p.His47Tyr; replaces histidine 47 with tyrosine.
Molecular consequence: missense variant. On other transcripts: intron variant (1).
Genome position (GRCh38, 1-based): chrX:71,147,888, C>T. VCF-style: chrX-71147888-C-T. GRCh37 (hg19) VCF-style: chrX-70367738-C-T.
Other names: c.139C>T, p.His47Tyr (NM_001166660.2, NM_018977.4); c.-38-175C>T (NM_001321276.2); short protein forms H47Y.
Identifiers: ClinVar variation 3383654 (VCV003383654.1).